The following is an entry in ClinVar:

ClinVar aggregate classification (germline): Benign/Likely benign. Review status: criteria provided, multiple submitters, no conflicts (2 of 4 stars). 4 submissions from 4 submitters: Benign (2); Likely benign (2). Last evaluated 2026-01-21.

Allele frequency attached by ClinVar (database versions not stated): gnomAD exomes 0.00016 and 0.00048; ExAC 0.00055; gnomAD 0.00167 and 0.00183; 1000 Genomes Project 0.00180; ESP Exome Variant Server 0.00185; 1000 Genomes Project 30x 0.00187; TOPMed 0.00198.
gnomAD v4.1: 495 of 1,611,122 alleles (0.031%); highest among the groups gnomAD compares: African/African-American, 0.59%; 1 homozygote.

Submissions (4):

Labcorp Genetics (formerly Invitae), Labcorp
Classification: Benign. Last evaluated: 2026-01-21. Review status: criteria provided, single submitter. Criteria: Invitae Variant Classification Sherloc (09022015). Collection method: clinical testing. Allele origin: germline.

CeGaT Center for Human Genetics Tuebingen
Classification: Likely benign. Last evaluated: 2025-06-01. Review status: criteria provided, single submitter. Criteria: CeGaT Center For Human Genetics Tuebingen Variant Classification Criteria Version 2. Collection method: clinical testing. Allele origin: germline. Affected: yes. Observed: 1 variant allele.
Comment: DNAJC21: BP4, BP7

Blueprint Genetics
Classification: Likely benign. Last evaluated: 2024-11-26. Review status: criteria provided, single submitter. Criteria: ACMG Guidelines, 2015. Collection method: clinical testing. Allele origin: germline.

Breakthrough Genomics
Classification: Benign. Review status: criteria provided, single submitter. Criteria: ACMG Guidelines, 2015. Collection method: not provided. Allele origin: germline. Inheritance: Autosomal recessive inheritance. Affected: yes.

NM_001012339.3(DNAJC21):c.1329A>G (p.Pro443=)

Gene: DNAJC21 (DnaJ heat shock protein family (Hsp40) member C21; plus strand). Cytogenetic location: 5p13.2.
Variant type: single nucleotide variant.
Coding change: c.1329A>G on transcript NM_001012339.3 (MANE Select); coding-DNA position 1329, A replaced by G.
Protein change: p.Pro443=; no amino-acid change (proline 443 retained).
Molecular consequence: synonymous variant.
Genome position (GRCh38, 1-based): chr5:34,950,313, A>G. VCF-style: chr5-34950313-A-G. GRCh37 (hg19) VCF-style: chr5-34950418-A-G.
Other names: c.1368A>G, p.Pro456= (NM_001348420.2); c.1464A>G, p.Pro488= (NM_194283.4).
Identifiers: ClinVar variation 728862 (VCV000728862.19), dbSNP rs145828651, ClinGen allele CA3228816.